The following is an entry in ClinVar:

ClinVar aggregate classification (germline): Uncertain significance. Review status: criteria provided, multiple submitters, no conflicts (2 of 4 stars). 2 submissions from 2 submitters: Uncertain significance (2). Last evaluated 2022-09-01.

Conditions:
Hereditary cancer-predisposing syndrome. Also called: Neoplastic Syndromes, Hereditary; Hereditary Cancer Syndrome; Tumor predisposition; Hereditary neoplastic syndrome. Identifiers: Orphanet 140162, MedGen C0027672, MeSH D009386, MONDO:0015356.
Ataxia-telangiectasia syndrome (AT). Also called: Cerebello-oculocutaneous telangiectasia; Immunodeficiency with ataxia telangiectasia; ATAXIA-TELANGIECTASIA, COMPLEMENTATION GROUP A; ATAXIA-TELANGIECTASIA, FRESNO VARIANT; Ataxia-telangiectasia, complementation group E; LOUIS-BAR SYNDROME. Identifiers: Orphanet 100, MedGen C0004135, MONDO:0008840, OMIM 208900.

Allele frequency attached by ClinVar (database versions not stated): gnomAD exomes below 0.00001.
gnomAD v4.1: 1 of 1,613,996 alleles (0.000062%); highest among the groups gnomAD compares: Non-Finnish European, 0.000085%; no homozygotes.

Submissions (2):

Labcorp Genetics (formerly Invitae), Labcorp
Classification: Uncertain significance for Ataxia-telangiectasia syndrome. Last evaluated: 2022-09-01. Review status: criteria provided, single submitter. Criteria: Invitae Variant Classification Sherloc (09022015). Collection method: clinical testing. Allele origin: germline.
Comment: This sequence change replaces glutamine, which is neutral and polar, with arginine, which is basic and polar, at codon 1627 of the ATM protein (p.Gln1627Arg). This variant is not present in population databases (gnomAD no frequency). This variant has not been reported in the literature in individuals affected with ATM-related conditions. ClinVar contains an entry for this variant (Variation ID: 1513208). Advanced modeling of protein sequence and biophysical properties (such as structural, functional, and spatial information, amino acid conservation, physicochemical variation, residue mobility, and thermodynamic stability) performed at Invitae indicates that this missense variant is not expected to disrupt ATM protein function. In summary, the available evidence is currently insufficient to determine the role of this variant in disease. Therefore, it has been classified as a Variant of Uncertain Significance.

Color Diagnostics, LLC DBA Color Health
Classification: Uncertain significance for Hereditary cancer-predisposing syndrome. Last evaluated: 2022-08-29. Review status: criteria provided, single submitter. Criteria: ACMG Guidelines, 2015. Collection method: clinical testing. Allele origin: germline.
Comment: This missense variant replaces glutamine with arginine at codon 1627 of the ATM protein. Computational prediction is inconclusive regarding the impact of this variant on protein structure and function (internally defined REVEL score threshold 0.5 < inconclusive < 0.7, PMID: 27666373). To our knowledge, functional studies have not been reported for this variant. This variant has not been reported in individuals affected with hereditary cancer in the literature. This variant has not been identified in the general population by the Genome Aggregation Database (gnomAD). The available evidence is insufficient to determine the role of this variant in disease conclusively. Therefore, this variant is classified as a Variant of Uncertain Significance.

NM_000051.4(ATM):c.4880A>G (p.Gln1627Arg)

Gene: ATM (ATM serine/threonine kinase; plus strand). Cytogenetic location: 11q22.3.
Variant type: single nucleotide variant.
Coding change: c.4880A>G on transcript NM_000051.4 (MANE Select); coding-DNA position 4880, A replaced by G.
Protein change: p.Gln1627Arg; replaces glutamine 1627 with arginine.
Molecular consequence: missense variant.
Genome position (GRCh38, 1-based): chr11:108,295,030, A>G. VCF-style: chr11-108295030-A-G. GRCh37 (hg19) VCF-style: chr11-108165757-A-G.
Other names: c.4880A>G, p.Gln1627Arg (NM_001351834.2); short protein forms Q1627R.
Identifiers: ClinVar variation 1513208 (VCV001513208.10), dbSNP rs786203857, ClinGen allele CA382537164.